The following is an entry in ClinVar:

ClinVar aggregate classification (germline): Uncertain significance (1 of 4 stars; one submission).

Allele frequency attached by ClinVar (database versions not stated): gnomAD exomes below 0.00001.
gnomAD v4.1: 5 of 1,613,292 alleles (0.00031%); highest among the groups gnomAD compares: Non-Finnish European, 0.00017%; no homozygotes.

Submission:

Labcorp Genetics (formerly Invitae), Labcorp
Classification: Uncertain significance. Last evaluated: 2024-08-13. Review status: criteria provided, single submitter. Criteria: Invitae Variant Classification Sherloc (09022015). Collection method: clinical testing. Allele origin: germline.
Comment: This sequence change replaces arginine, which is basic and polar, with glutamine, which is neutral and polar, at codon 135 of the CHRM2 protein (p.Arg135Gln). This variant is present in population databases (no rsID available, gnomAD 0.004%). This variant has not been reported in the literature in individuals affected with CHRM2-related conditions. An algorithm developed to predict the effect of missense changes on protein structure and function (PolyPhen-2) suggests that this variant is likely to be disruptive. In summary, the available evidence is currently insufficient to determine the role of this variant in disease. Therefore, it has been classified as a Variant of Uncertain Significance.

NM_001006630.2(CHRM2):c.404G>A (p.Arg135Gln)

Genes: CHRM2 (cholinergic receptor muscarinic 2; plus strand), LOC349160 (uncharacterized LOC349160; minus strand). Cytogenetic location: 7q33.
Variant type: single nucleotide variant.
Coding change: c.404G>A on transcript NM_001006630.2 (MANE Select); coding-DNA position 404, G replaced by A.
Protein change: p.Arg135Gln; replaces arginine 135 with glutamine.
Molecular consequence: missense variant.
Genome position (GRCh38, 1-based): chr7:137,015,269, G>A. VCF-style: chr7-137015269-G-A. GRCh37 (hg19) VCF-style: chr7-136700016-G-A.
Other names: c.404G>A, p.Arg135Gln (NM_000739.3, NM_001006626.3, NM_001006627.3 and 6 more transcripts); short protein forms R135Q.
Identifiers: ClinVar variation 2709418 (VCV002709418.3), dbSNP rs1446523872, ClinGen allele CA369486417.